The following is an entry in ClinVar:

ClinVar aggregate classification (germline): Pathogenic. Review status: criteria provided, multiple submitters, no conflicts (2 of 4 stars). 4 submissions from 4 submitters: Pathogenic (4). Last evaluated 2026-04-14.

Conditions:
Familial intrahepatic cholestasis. Identifiers: Orphanet 284385, MedGen CN296401, MONDO:0017290.
ATP8B1-related disorder. Also called: ATP8B1-related disorders; ATP8B1-related condition.
Benign recurrent intrahepatic cholestasis type 1. Also called: Mild-to-Moderate ATP8B1 Deficiency (Benign Recurrent Intrahepatic Cholestasis 1 [BRIC1]); SUMMERSKILL SYNDROME. Identifiers: Orphanet 65682, Orphanet 99960, MedGen C4551899, MONDO:0009469, OMIM 243300.

gnomAD v4.1: 9 of 1,607,588 alleles (0.00056%); highest among the groups gnomAD compares: East Asian, 0.0022%; no homozygotes.

Submissions (4):

Genomenon, Inc
Classification: Pathogenic for Familial intrahepatic cholestasis. Last evaluated: 2026-04-14. Review status: criteria provided, single submitter. Criteria: Genomenon Sequence Variant Interpretation Standards - Updated. Collection method: curation. Allele origin: germline. Affected: yes.
Comment: ATP8B1 p.Arg271Ter (c.811A>T) is a nonsense variant that introduces a premature stop codon at amino acid position 271, creating a truncated protein that is predicted to undergo nonsense-mediated mRNA decay. This variant has been observed in at least one proband with features of ATP8B1-deficiency (PMID:33666275;31160058;27050426). It is absent or not present at a significant frequency in gnomAD. In conclusion, we classify ATP8B1 p.Arg271Ter (c.811A>T) as a pathogenic variant.

PreventionGenetics, part of Exact Sciences
Classification: Pathogenic for ATP8B1-related condition. Last evaluated: 2026-01-29. Review status: criteria provided, single submitter. Criteria: ACMG Guidelines, 2015. Collection method: clinical testing. Allele origin: germline.
Comment: The ATP8B1 c.811A>T variant is predicted to result in premature protein termination (p.Arg271*). This variant has been reported in the heterozygous state along with a second potentially causative variant in two individuals with cholestasis (Wang et al. 2016. PubMed ID: 27050426; Table S1, van Wessel et al. 2021. PubMed ID: 33666275). This variant is reported in 0.0054% of alleles in individuals of East Asian descent in gnomAD. Nonsense variants in ATP8B1 are expected to be pathogenic. This variant is interpreted as pathogenic.

Labcorp Genetics (formerly Invitae), Labcorp
Classification: Pathogenic. Last evaluated: 2023-09-15. Review status: criteria provided, single submitter. Criteria: Invitae Variant Classification Sherloc (09022015). Collection method: clinical testing. Allele origin: germline.
Comment: For these reasons, this variant has been classified as Pathogenic. This premature translational stop signal has been observed in individual(s) with chronic cholestasis (PMID: 27050426, 33666275). This variant is present in population databases (rs319443, gnomAD 0.006%). This sequence change creates a premature translational stop signal (p.Arg271*) in the ATP8B1 gene. It is expected to result in an absent or disrupted protein product. Loss-of-function variants in ATP8B1 are known to be pathogenic (PMID: 15239083, 22525741).

Baylor Genetics
Classification: Pathogenic for Benign recurrent intrahepatic cholestasis type 1. Last evaluated: 2023-05-06. Review status: criteria provided, single submitter. Criteria: ACMG Guidelines, 2015. Collection method: clinical testing. Allele origin: unknown.

Literature cited by the submitters: PubMed 33666275 (cited by Genomenon, Inc and Labcorp Genetics (formerly Invitae), Labcorp); PubMed 31160058 (cited by Genomenon, Inc); PubMed 27050426 (cited by Genomenon, Inc and Labcorp Genetics (formerly Invitae), Labcorp); PubMed 15239083 (cited by Labcorp Genetics (formerly Invitae), Labcorp); PubMed 22525741 (cited by Labcorp Genetics (formerly Invitae), Labcorp).

NM_001374385.1(ATP8B1):c.811A>T (p.Arg271Ter)

Gene: ATP8B1 (ATPase phospholipid transporting 8B1; minus strand). Cytogenetic location: 18q21.31.
Variant type: single nucleotide variant.
Coding change: c.811A>T on transcript NM_001374385.1 (MANE Select); coding-DNA position 811, A replaced by T.
Protein change: p.Arg271Ter; replaces arginine 271 with a stop codon.
Molecular consequence: nonsense.
Genome position (GRCh38, 1-based): chr18:57,695,300, T>A on the plus strand (A>T on the coding strand, the complement: ATP8B1 is on the minus strand). VCF-style: chr18-57695300-T-A. GRCh37 (hg19) VCF-style: chr18-55362532-T-A.
Other names: c.661A>T, p.Arg221Ter (NM_001374386.1); c.811A>T, p.Arg271Ter (NM_005603.6); c.811A>T (NM_005603.4); short protein forms R221*, R271*.
Identifiers: ClinVar variation 2679854 (VCV002679854.6), dbSNP rs319443, ClinGen allele CA8974717.